The following is an entry in ClinVar:

NM_001130144.3(LTBP3):c.3592G>A (p.Asp1198Asn)

Gene: LTBP3 (latent transforming growth factor beta binding protein 3; minus strand). Cytogenetic location: 11q13.1.
Variant type: single nucleotide variant.
Coding change: c.3592G>A on transcript NM_001130144.3 (MANE Select); coding-DNA position 3592, G replaced by A.
Protein change: p.Asp1198Asn; replaces aspartic acid 1198 with asparagine.
Molecular consequence: missense variant.
Genome position (GRCh38, 1-based): chr11:65,539,584, C>T on the plus strand (G>A on the coding strand, the complement: LTBP3 is on the minus strand). VCF-style: chr11-65539584-C-T. GRCh37 (hg19) VCF-style: chr11-65307055-C-T.
Other names: c.3100G>A, p.Asp1034Asn (NM_001164266.1); c.3451G>A, p.Asp1151Asn (NM_021070.4); short protein forms D1034N, D1151N, D1198N.
Identifiers: ClinVar variation 3624695 (VCV003624695.2).

ClinVar aggregate classification (germline): Uncertain significance (1 of 4 stars; one submission).

Conditions:
Brachyolmia-amelogenesis imperfecta syndrome. Also called: PLATYSPONDYLY WITH AMELOGENESIS IMPERFECTA; Tooth agenesis, selective, 6; Dental anomalies and short stature. Identifiers: Orphanet 2899, MedGen C1832594, MONDO:0011018, OMIM 601216. Disease mechanism: loss of function.

gnomAD v4.1: 1 of 1,612,860 alleles (0.000062%); highest among the groups gnomAD compares: Non-Finnish European, 0.000085%; no homozygotes.

Submission:

Labcorp Genetics (formerly Invitae), Labcorp
Classification: Uncertain significance for Brachyolmia-amelogenesis imperfecta syndrome. Last evaluated: 2024-10-07. Review status: criteria provided, single submitter. Criteria: Invitae Variant Classification Sherloc (09022015). Collection method: clinical testing. Allele origin: germline.
Comment: This sequence change replaces aspartic acid, which is acidic and polar, with asparagine, which is neutral and polar, at codon 1198 of the LTBP3 protein (p.Asp1198Asn). This variant is not present in population databases (gnomAD no frequency). This variant has not been reported in the literature in individuals affected with LTBP3-related conditions. An algorithm developed to predict the effect of missense changes on protein structure and function (PolyPhen-2) suggests that this variant is likely to be disruptive. In summary, the available evidence is currently insufficient to determine the role of this variant in disease. Therefore, it has been classified as a Variant of Uncertain Significance.